The following is an entry in ClinVar:

NM_003906.5(MCM3AP):c.5195C>A (p.Ala1732Glu)

Genes: MCM3AP (minichromosome maintenance complex component 3 associated protein; minus strand), MCM3AP-AS1 (MCM3AP antisense RNA 1; plus strand). Cytogenetic location: 21q22.3.
Variant type: single nucleotide variant.
Coding change: c.5195C>A on transcript NM_003906.5 (MANE Select); coding-DNA position 5195, C replaced by A.
Protein change: p.Ala1732Glu; replaces alanine 1732 with glutamic acid.
Molecular consequence: missense variant.
Genome position (GRCh38, 1-based): chr21:46,243,566, G>T on the plus strand (C>A on the coding strand, the complement: MCM3AP is on the minus strand). VCF-style: chr21-46243566-G-T. GRCh37 (hg19) VCF-style: chr21-47663480-G-T.
Other names: short protein forms A1732E.
Identifiers: ClinVar variation 2772772 (VCV002772772.3), dbSNP rs2517310670, ClinGen allele CA410540460.
Genomic context (GRCh38, chr21:46,243,566, plus strand): 5'-TTGTGGTTGATACACAAGGCGATAAGATCATCCCATGGGATCTCCATGACCGAGGGGCCT[G>T]CCCCATGGACTGGGGAGGGACTCTTGCTCTTCCACCTACAGTAGGTTCTGTGGAGCAGGT-3'
Protein context (NP_003897.2, residues 1722-1742): KSKSPSPVHG[Ala1732Glu]GPSVMEIPWD

ClinVar aggregate classification (germline): Uncertain significance (1 of 4 stars; one submission).

Submission:

Labcorp Genetics (formerly Invitae), Labcorp
Classification: Uncertain significance. Last evaluated: 2023-11-02. Review status: criteria provided, single submitter. Criteria: Invitae Variant Classification Sherloc (09022015). Collection method: clinical testing. Allele origin: germline.
Comment: This sequence change replaces alanine, which is neutral and non-polar, with glutamic acid, which is acidic and polar, at codon 1732 of the MCM3AP protein (p.Ala1732Glu). This variant is not present in population databases (gnomAD no frequency). This variant has not been reported in the literature in individuals affected with MCM3AP-related conditions. An algorithm developed to predict the effect of missense changes on protein structure and function (PolyPhen-2) suggests that this variant is likely to be tolerated. In summary, the available evidence is currently insufficient to determine the role of this variant in disease. Therefore, it has been classified as a Variant of Uncertain Significance.